The following is an entry in ClinVar:

NM_001291303.3(FAT4):c.12610A>G (p.Thr4204Ala)

Gene: FAT4 (FAT atypical cadherin 4; plus strand). Cytogenetic location: 4q28.1.
Variant type: single nucleotide variant.
Coding change: c.12610A>G on transcript NM_001291303.3 (MANE Select); coding-DNA position 12610, A replaced by G.
Protein change: p.Thr4204Ala; replaces threonine 4204 with alanine.
Molecular consequence: missense variant.
Genome position (GRCh38, 1-based): chr4:125,481,526, A>G. VCF-style: chr4-125481526-A-G. GRCh37 (hg19) VCF-style: chr4-126402681-A-G.
Other names: c.12610A>G, p.Thr4204Ala (NM_001291285.3, NM_001438396.1, NM_001438397.1); c.7381A>G, p.Thr2461Ala (NM_001437895.1); c.12604A>G, p.Thr4202Ala (NM_024582.6); short protein forms T2461A, T4202A, T4204A.
Identifiers: ClinVar variation 4531928 (VCV004531928.1).

ClinVar aggregate classification (germline): Uncertain significance (1 of 4 stars; one submission).

Conditions:
Hennekam lymphangiectasia-lymphedema syndrome 2 (HKLLS2). Identifiers: Orphanet 2136, MedGen C4014939, MONDO:0014454, OMIM 616006.

Submission:

Victorian Clinical Genetics Services, Murdoch Childrens Research Institute
Classification: Uncertain significance for Hennekam lymphangiectasia-lymphedema syndrome 2. Last evaluated: 2025-04-14. Review status: criteria provided, single submitter. Criteria: ACMG Guidelines, 2015. Collection method: clinical testing. Allele origin: germline. Affected: yes.
Comment: This variant is classified as VUS-3B. Evidence in support of pathogenic classification: Variant is absent from gnomAD (v2, v3 and v4). Evidence in support of benign classification: Missense variant predicted to be tolerated by in silico tool(s) or not conserved in placental mammals with a minor amino acid change. Additional information: Variant is predicted to result in a missense amino acid change from threonine to alanine; This variant is heterozygous; This gene is associated with autosomal recessive disease; Alternative amino acid change(s) at the same position are present in gnomAD (Highest allele count: v4: 6 heterozygote(s), 0 homozygote(s)); This variant has no previous evidence of pathogenicity; No published segregation evidence has been identified for this variant; No published functional evidence has been identified for this variant; Another missense variant(s) comparable to the one identified in this case has inconclusive previous evidence for pathogenicity. p.(Thr4204Ile) has been classified as a VUS by a clinical laboratory in ClinVar; Variant is located in the annotated topological domain (UniProt); Loss of function is a known mechanism of disease in this gene and is associated with Hennekam lymphangiectasia-lymphoedema syndrome 2 (MONDO:0014454).